The following is an entry in ClinVar:

ClinVar aggregate classification (germline): Uncertain significance (1 of 4 stars; one submission).

Conditions:
Glycogen storage disease due to muscle and heart glycogen synthase deficiency. Also called: GSD 0b; MUSCLE GLYCOGEN SYNTHASE DEFICIENCY. Identifiers: Orphanet 137625, MedGen C1969054, MONDO:0012693, OMIM 611556.

Submission:

Labcorp Genetics (formerly Invitae), Labcorp
Classification: Uncertain significance for Glycogen storage disease 0, muscle. Last evaluated: 2019-02-08. Review status: criteria provided, single submitter. Criteria: Invitae Variant Classification Sherloc (09022015). Collection method: clinical testing. Allele origin: germline.
Comment: This variant results in a copy number gain of the genomic region encompassing exons 1-10 of the GYS1 gene. The 5' end of this event is unknown as it extends beyond the assayed region for this gene and therefore may encompass additional genes. The 3' boundary is likely confined to intron 10 of the GYS1 gene. As the precise location of this event is unknown, it may be in tandem or it may be located elsewhere in the genome. This variant has not been reported in the literature in individuals with GYS1-related conditions. In summary, the available evidence is currently insufficient to determine the role of this variant in disease. Therefore, it has been classified as a Variant of Uncertain Significance.

NC_000019.10:g.(?_48977904)_(48993132_?)dup

Gene: GYS1 (glycogen synthase 1; minus strand). Cytogenetic location: 19q13.33.
Variant type: Duplication.
Identifiers: ClinVar variation 833299 (VCV000833299.1).